The following is an entry in ClinVar:

ClinVar aggregate classification (germline): Pathogenic. Review status: criteria provided, multiple submitters, no conflicts (2 of 4 stars). 2 submissions from 2 submitters: Pathogenic (2). Last evaluated 2025-07-08.

Conditions:
Hereditary cancer-predisposing syndrome. Also called: Tumor predisposition; Neoplastic Syndromes, Hereditary; Hereditary neoplastic syndrome; Hereditary Cancer Syndrome. Identifiers: Orphanet 140162, MedGen C0027672, MeSH D009386, MONDO:0015356.
Cardiovascular phenotype. Identifiers: MedGen CN230736.
Neurofibromatosis, type 1 (NF1). Also called: VON RECKLINGHAUSEN DISEASE; Peripheral type neurofibromatosis; NEUROFIBROMATOSIS, TYPE I, SOMATIC; Neurofibromatosis, type I. Identifiers: Orphanet 636, MedGen C0027831, MONDO:0018975, OMIM 162200. Disease mechanism: loss of function.

gnomAD v4.1: 1 of 1,608,236 alleles (0.000062%); highest among the groups gnomAD compares: Non-Finnish European, 0.000085%; no homozygotes.

Submissions (2):

Labcorp Genetics (formerly Invitae), Labcorp
Classification: Pathogenic for Neurofibromatosis, type 1. Last evaluated: 2025-07-08. Review status: criteria provided, single submitter. Criteria: Invitae Variant Classification Sherloc (09022015). Collection method: clinical testing. Allele origin: germline.
Comment: This sequence change affects a donor splice site in intron 41 of the NF1 gene. RNA analysis indicates that disruption of this splice site induces altered splicing and may result in an absent or altered protein product. This variant is not present in population databases (gnomAD no frequency). Disruption of this splice site has been observed in individual(s) with clinical features of neurofibromatosis type 1 (PMID: 18484666, 25541118, 31776437). ClinVar contains an entry for this variant (Variation ID: 1068190). Studies have shown that disruption of this splice site results in skipping of exon 41, and produces a non-functional protein and/or introduces a premature termination codon (internal data). For these reasons, this variant has been classified as Pathogenic.

Ambry Genetics
Classification: Pathogenic for Cardiovascular phenotype; Hereditary cancer-predisposing syndrome. Last evaluated: 2020-12-22. Review status: criteria provided, single submitter. Criteria: Ambry Variant Classification Scheme 2023. Collection method: clinical testing. Allele origin: germline.
Comment: The c.6364+1G>A intronic variant results from a G to A substitution one nucleotide after coding exon 41 of the NF1 gene. This variant was not reported in population-based cohorts in the Genome Aggregation Database (gnomAD). This nucleotide position is highly conserved in available vertebrate species. In silico splice site analysis predicts that this alteration will weaken the native splice donor site. Alterations that disrupt the canonical splice site are expected to cause aberrant splicing, resulting in an abnormal protein or a transcript that is subject to nonsense-mediated mRNA decay. Based on the supporting evidence, this alteration is interpreted as a disease-causing mutation.

Literature cited by the submitters: PubMed 18484666 (cited by Labcorp Genetics (formerly Invitae), Labcorp); PubMed 25541118 (cited by Labcorp Genetics (formerly Invitae), Labcorp); PubMed 31776437 (cited by Labcorp Genetics (formerly Invitae), Labcorp).

NM_001042492.3(NF1):c.6427+1G>A

Gene: NF1 (neurofibromin 1; plus strand). Cytogenetic location: 17q11.2.
Variant type: single nucleotide variant.
Coding change: c.6427+1G>A on transcript NM_001042492.3 (MANE Select); the canonical splice donor site of the intron after coding-DNA position 6427, G replaced by A.
Molecular consequence: splice donor variant.
Genome position (GRCh38, 1-based): chr17:31,336,915, G>A. VCF-style: chr17-31336915-G-A. GRCh37 (hg19) VCF-style: chr17-29663933-G-A.
Other names: c.6364+1G>A (NM_000267.4).
Identifiers: ClinVar variation 1068190 (VCV001068190.7), dbSNP rs2151555200, ClinGen allele CA399012974.